The following is an entry in ClinVar:

NM_001127198.5(TMC6):c.369C>T (p.Ser123=)

Gene: TMC6 (transmembrane channel like 6; minus strand). Cytogenetic location: 17q25.3.
Variant type: single nucleotide variant.
Coding change: c.369C>T on transcript NM_001127198.5 (MANE Select); coding-DNA position 369, C replaced by T.
Protein change: p.Ser123=; no amino-acid change (serine 123 retained).
Molecular consequence: synonymous variant. On other transcripts: non-coding transcript variant (4).
Genome position (GRCh38, 1-based): chr17:78,125,787, G>A on the plus strand (C>T on the coding strand, the complement: TMC6 is on the minus strand). VCF-style: chr17-78125787-G-A. GRCh37 (hg19) VCF-style: chr17-76121868-G-A.
Other names: c.369C>T, p.Ser123= (NM_001321185.1, NM_001374593.1, NM_001374594.1 and 4 more transcripts).
Identifiers: ClinVar variation 526258 (VCV000526258.22), dbSNP rs142758270, ClinGen allele CA8796149.

ClinVar aggregate classification (germline): Likely benign. Review status: criteria provided, multiple submitters, no conflicts (2 of 4 stars). 4 submissions from 4 submitters: Likely benign (4). Last evaluated 2026-10-01.

Conditions:
Epidermodysplasia verruciformis. Identifiers: Orphanet 302, MedGen C0014522, MONDO:0009176.

Allele frequency attached by ClinVar (database versions not stated): TOPMed 0.00058; gnomAD 0.00064 and 0.00070; gnomAD exomes 0.00081 and 0.00122; ESP Exome Variant Server 0.00086; ExAC 0.00153.
gnomAD v4.1: 1,811 of 1,562,150 alleles (0.12%); highest among the groups gnomAD compares: Middle Eastern, 0.28%; 3 homozygotes.

Submissions (4):

CeGaT Center for Human Genetics Tuebingen
Classification: Likely benign. Last evaluated: 2026-10-01. Review status: criteria provided, single submitter. Criteria: CeGaT Center For Human Genetics Tuebingen Variant Classification Criteria Version 2. Collection method: clinical testing. Allele origin: germline. Affected: yes. Observed: 2 variant alleles.
Comment: TMC6: BP4, BP7

Labcorp Genetics (formerly Invitae), Labcorp
Classification: Likely benign for Epidermodysplasia verruciformis. Last evaluated: 2026-02-01. Review status: criteria provided, single submitter. Criteria: Invitae Variant Classification Sherloc (09022015). Collection method: clinical testing. Allele origin: germline.

Blueprint Genetics
Classification: Likely benign. Last evaluated: 2024-11-21. Review status: criteria provided, single submitter. Criteria: ACMG Guidelines, 2015. Collection method: clinical testing. Allele origin: germline.

Breakthrough Genomics
Classification: Likely benign. Review status: criteria provided, single submitter. Criteria: ACMG Guidelines, 2015. Collection method: not provided. Allele origin: germline. Inheritance: Autosomal recessive inheritance. Affected: yes.